The following is an entry in ClinVar:

NM_001128.6(AP1G1):c.1319A>T (p.Asn440Ile)

Gene: AP1G1 (adaptor related protein complex 1 subunit gamma 1; minus strand). Cytogenetic location: 16q22.2.
Variant type: single nucleotide variant.
Coding change: c.1319A>T on transcript NM_001128.6 (MANE Select); coding-DNA position 1319, A replaced by T.
Protein change: p.Asn440Ile; replaces asparagine 440 with isoleucine.
Molecular consequence: missense variant.
Genome position (GRCh38, 1-based): chr16:71,750,298, T>A on the plus strand (A>T on the coding strand, the complement: AP1G1 is on the minus strand). VCF-style: chr16-71750298-T-A. GRCh37 (hg19) VCF-style: chr16-71784201-T-A.
Other names: c.1328A>T, p.Asn443Ile (NM_001030007.2); short protein forms N440I, N443I.
Identifiers: ClinVar variation 4689876 (VCV004689876.1).

ClinVar aggregate classification (germline): Uncertain significance (1 of 4 stars; one submission).

Submission:

GeneDx
Classification: Uncertain significance. Last evaluated: 2025-07-29. Review status: criteria provided, single submitter. Criteria: GeneDx Variant Classification Process June 2021. Collection method: clinical testing. Allele origin: germline. Affected: yes.
Comment: Not observed at significant frequency in large population cohorts (gnomAD); In silico analysis supports that this missense variant has a deleterious effect on protein structure/function; Has not been previously published as pathogenic or benign to our knowledge